The following is an entry in ClinVar:

NM_000551.4(VHL):c.209dup (p.Pro71fs)

Gene: VHL (von Hippel-Lindau tumor suppressor; plus strand). Cytogenetic location: 3p25.3.
Variant type: Duplication.
Coding change: c.209dup on transcript NM_000551.4 (MANE Select); coding-DNA position 209, one base duplicated (A; older notation c.209dupA).
Protein change: p.Pro71fs; shifts the reading frame from proline 71.
Molecular consequence: frameshift variant. On other transcripts: non-coding transcript variant (1).
Genome position (GRCh38, 1-based): chr3:10,142,056, A duplicated. VCF-style (leftmost placement, unchanged base first): chr3-10142055-G-GA. GRCh37 (hg19) VCF-style: chr3-10183739-G-GA.
Other names: c.209dup, p.Pro71fs (NM_001354723.2, NM_198156.3); c.209dupA (NM_000551.3); short protein forms P71fs.
Identifiers: ClinVar variation 4198749 (VCV004198749.1).

ClinVar aggregate classification (germline): Pathogenic (1 of 4 stars; one submission).

Conditions:
Hereditary cancer-predisposing syndrome. Also called: Neoplastic Syndromes, Hereditary; Tumor predisposition; Hereditary Cancer Syndrome; Hereditary neoplastic syndrome. Identifiers: Orphanet 140162, MedGen C0027672, MeSH D009386, MONDO:0015356.

Submission:

Ambry Genetics
Classification: Pathogenic for Hereditary cancer-predisposing syndrome. Last evaluated: 2025-06-26. Review status: criteria provided, single submitter. Criteria: Ambry Variant Classification Scheme 2023. Collection method: clinical testing. Allele origin: germline.
Comment: The c.209dupA pathogenic mutation, located in coding exon 1 of the VHL gene, results from a duplication of A at nucleotide position 209, causing a translational frameshift with a predicted alternate stop codon (p.P71Afs*61). This variant is considered to be rare based on population cohorts in the Genome Aggregation Database (gnomAD). This alteration is expected to result in loss of function by premature protein truncation or nonsense-mediated mRNA decay. As such, this alteration is interpreted as a disease-causing mutation.